The following is an entry in ClinVar:

ClinVar aggregate classification (germline): Uncertain significance. Review status: criteria provided, multiple submitters, no conflicts (2 of 4 stars). 2 submissions from 2 submitters: Uncertain significance (2). Last evaluated 2024-03-04.

Conditions:
Angelman syndrome (AS). Also called: HAPPY PUPPET SYNDROME. Identifiers: Orphanet 72, MedGen C0162635, MONDO:0007113, OMIM 105830. Disease mechanism: loss of function. Inheritance: imprinting disorder, AS is caused by disruption of maternally imprinted UBE3A located within the 15q11.2-q13 Angelman syndrome/Prader-Willi syndrome (AS/PWS) region..

Allele frequency attached by ClinVar (database versions not stated): gnomAD exomes below 0.00001.
gnomAD v4.1: 1 of 1,614,120 alleles (0.000062%); highest among the groups gnomAD compares: Admixed American, 0.0017%; no homozygotes.

Submissions (2):

Labcorp Genetics (formerly Invitae), Labcorp
Classification: Uncertain significance for Angelman syndrome. Last evaluated: 2024-03-04. Review status: criteria provided, single submitter. Criteria: Invitae Variant Classification Sherloc (09022015). Collection method: clinical testing. Allele origin: germline.
Comment: This sequence change replaces cysteine, which is neutral and slightly polar, with tyrosine, which is neutral and polar, at codon 34 of the UBE3A protein (p.Cys34Tyr). This variant is present in population databases (no rsID available, gnomAD 0.003%). This variant has not been reported in the literature in individuals affected with UBE3A-related conditions. ClinVar contains an entry for this variant (Variation ID: 838590). Advanced modeling of protein sequence and biophysical properties (such as structural, functional, and spatial information, amino acid conservation, physicochemical variation, residue mobility, and thermodynamic stability) has been performed at Invitae for this missense variant, however the output from this modeling did not meet the statistical confidence thresholds required to predict the impact of this variant on UBE3A protein function. In summary, the available evidence is currently insufficient to determine the role of this variant in disease. Therefore, it has been classified as a Variant of Uncertain Significance.

GeneDx
Classification: Uncertain significance. Last evaluated: 2023-06-11. Review status: criteria provided, single submitter. Criteria: GeneDx Variant Classification Process June 2021. Collection method: clinical testing. Allele origin: germline. Affected: yes.
Comment: Not observed at significant frequency in large population cohorts (gnomAD); In silico analysis supports that this missense variant does not alter protein structure/function; Has not been previously published as pathogenic or benign to our knowledge

NM_130839.5(UBE3A):c.161G>A (p.Cys54Tyr)

Genes: SNHG14 (small nucleolar RNA host gene 14; plus strand), UBE3A (ubiquitin protein ligase E3A; minus strand). Cytogenetic location: 15q11.2.
Variant type: single nucleotide variant.
Coding change: c.161G>A on transcript NM_130839.5 (MANE Select); coding-DNA position 161, G replaced by A.
Protein change: p.Cys54Tyr; replaces cysteine 54 with tyrosine.
Molecular consequence: missense variant. On other transcripts: 5 prime UTR variant (1), non-coding transcript variant (1).
Genome position (GRCh38, 1-based): chr15:25,375,665, C>T on the plus strand (G>A on the coding strand, the complement: UBE3A is on the minus strand). VCF-style: chr15-25375665-C-T. GRCh37 (hg19) VCF-style: chr15-25620812-C-T.
Other names: c.170G>A, p.Cys57Tyr (NM_000462.5); c.161G>A, p.Cys54Tyr (NM_001354505.1, NM_001354538.2, NM_001354545.2 and 1 more transcripts); c.101G>A, p.Cys34Tyr (NM_001354506.2, NM_001354507.2, NM_001354508.2 and 18 more transcripts); c.-17G>A (NM_001354546.2); short protein forms C34Y, C54Y, C57Y.
Identifiers: ClinVar variation 838590 (VCV000838590.12), dbSNP rs1301123423, ClinGen allele CA391356499.